The following is an entry in ClinVar:

ClinVar aggregate classification (germline): Conflicting classifications of pathogenicity. Review status: criteria provided, conflicting classifications (1 of 4 stars). 5 submissions from 5 submitters: Uncertain significance (3); Likely benign (2). Last evaluated 2025-01-22.

Conditions:
Acute myeloid leukemia (AML). Also called: Acute myeloid leukemia, adult; AML adult; Acute non-lymphocytic leukemia; Acute granulocytic leukemia; Leukemia, acute myeloid, somatic; Leukemia, acute myelogenous, somatic. Identifiers: Orphanet 519, MedGen C0023467, MeSH D015470, MONDO:0018874, OMIM 601626, HP:0004808. Disease mechanism: Constitutively activated FLT3.
Tuberous sclerosis 1 (TSC1). Identifiers: Orphanet 805, MedGen C1854465, MONDO:0008612, OMIM 191100.
Hereditary cancer-predisposing syndrome. Also called: Neoplastic Syndromes, Hereditary; Hereditary Cancer Syndrome; Hereditary neoplastic syndrome; Tumor predisposition. Identifiers: Orphanet 140162, MedGen C0027672, MeSH D009386, MONDO:0015356.

Allele frequency attached by ClinVar (database versions not stated): gnomAD exomes below 0.00001 and 0.00001; ExAC 0.00002; gnomAD 0.00003; TOPMed 0.00004.
gnomAD v4.1: 8 of 1,614,090 alleles (0.0005%); highest among the groups gnomAD compares: African/African-American, 0.0067%; no homozygotes.

Submissions (5):

Labcorp Genetics (formerly Invitae), Labcorp
Classification: Likely benign for Tuberous sclerosis 1. Last evaluated: 2025-01-22. Review status: criteria provided, single submitter. Criteria: Invitae Variant Classification Sherloc (09022015). Collection method: clinical testing. Allele origin: germline.

Ambry Genetics
Classification: Uncertain significance for Hereditary cancer-predisposing syndrome. Last evaluated: 2024-12-27. Review status: criteria provided, single submitter. Criteria: Ambry Variant Classification Scheme 2023. Collection method: clinical testing. Allele origin: germline.
Comment: The p.S1147G variant (also known as c.3439A>G), located in coding exon 21 of the TSC1 gene, results from an A to G substitution at nucleotide position 3439. The serine at codon 1147 is replaced by glycine, an amino acid with similar properties. This amino acid position is well conserved in available vertebrate species. In addition, this alteration is predicted to be tolerated by in silico analysis. Based on the available evidence, the clinical significance of this variant remains unclear.

Myriad Genetics, Inc.
Classification: Likely benign for Tuberous sclerosis 1. Last evaluated: 2024-08-16. Review status: criteria provided, single submitter. Criteria: Myriad Autosomal Dominant, Autosomal Recessive and X-Linked Classification Criteria (2023). Collection method: clinical testing. Allele origin: unknown.
Comment: This variant is considered likely benign. This variant has been observed at a population frequency that is significantly greater than expected given the associated disease prevalence and penetrance.

Genome-Nilou Lab
Classification: Uncertain significance for Tuberous sclerosis 1. Last evaluated: 2021-11-07. Review status: criteria provided, single submitter. Criteria: ACMG Guidelines, 2015. Collection method: clinical testing. Allele origin: germline. Affected: no.

St. Jude Molecular Pathology, St. Jude Children's Research Hospital
Classification: Uncertain significance for Acute myeloid leukemia. Last evaluated: 2017-04-03. Review status: criteria provided, single submitter. Criteria: ACMG Guidelines, 2015. Collection method: clinical testing. Allele origin: germline. Affected: yes.

NM_000368.5(TSC1):c.3439A>G (p.Ser1147Gly)

Gene: TSC1 (TSC complex subunit 1; minus strand). Cytogenetic location: 9q34.13.
Variant type: single nucleotide variant.
Coding change: c.3439A>G on transcript NM_000368.5 (MANE Select); coding-DNA position 3439, A replaced by G.
Protein change: p.Ser1147Gly; replaces serine 1147 with glycine.
Molecular consequence: missense variant.
Genome position (GRCh38, 1-based): chr9:132,896,291, T>C on the plus strand (A>G on the coding strand, the complement: TSC1 is on the minus strand). VCF-style: chr9-132896291-T-C. GRCh37 (hg19) VCF-style: chr9-135771678-T-C.
Other names: c.3436A>G, p.Ser1146Gly (NM_001162426.2); c.3286A>G, p.Ser1096Gly (NM_001162427.2); c.3076A>G, p.Ser1026Gly (NM_001362177.2); short protein forms S1147G, S1096G, S1146G, S1026G.
Identifiers: ClinVar variation 620628 (VCV000620628.15), dbSNP rs768624733, ClinGen allele CA037114.